The following is an entry in ClinVar:

NM_003919.3(SGCE):c.1195C>T (p.Pro399Ser)

Genes: CASD1 (CAS1 domain sialic acid O acetyltransferase 1; plus strand), SGCE (sarcoglycan epsilon; minus strand). Cytogenetic location: 7q21.3.
Variant type: single nucleotide variant.
Coding change: c.1195C>T on transcript NM_003919.3 (MANE Select); coding-DNA position 1195, C replaced by T.
Protein change: p.Pro399Ser; replaces proline 399 with serine.
Molecular consequence: missense variant.
Genome position (GRCh38, 1-based): chr7:94,598,833, G>A on the plus strand (C>T on the coding strand, the complement: SGCE is on the minus strand). VCF-style: chr7-94598833-G-A. GRCh37 (hg19) VCF-style: chr7-94228145-G-A.
Other names: c.1168C>T, p.Pro390Ser (NM_001099400.2, NM_001346717.2); c.1195C>T, p.Pro399Ser (NM_001099401.2); c.1072C>T, p.Pro358Ser (NM_001301139.2); c.1303C>T, p.Pro435Ser (NM_001346713.2); c.1276C>T, p.Pro426Ser (NM_001346715.2); c.1108C>T, p.Pro370Ser (NM_001346719.2); c.922C>T, p.Pro308Ser (NM_001346720.2); c.1081C>T, p.Pro361Ser (NM_001362807.2); and 3 more; short protein forms P349S, P399S, P299S, P390S, P435S, P308S, P358S, P361S.
Identifiers: ClinVar variation 2045520 (VCV002045520.6), dbSNP rs747427574, ClinGen allele CA4348608.

ClinVar aggregate classification (germline): Uncertain significance. Review status: criteria provided, multiple submitters, no conflicts (2 of 4 stars). 3 submissions from 3 submitters: Uncertain significance (3). Last evaluated 2026-03-03.

Conditions:
Myoclonic dystonia 11 (DYT11). Also called: DYT-SGCE; Myoclonic dystonia; Dystonia 11; Dystonia, alcohol responsive; Hereditary essential myoclonus; SGCE Myoclonus-Dystonia. Identifiers: Orphanet 36899, MedGen C1834570, MONDO:0008044, OMIM 159900.
Inborn genetic diseases. Identifiers: MedGen C0950123, MeSH D030342.

Allele frequency attached by ClinVar (database versions not stated): gnomAD exomes below 0.00001; ExAC 0.00001; TOPMed 0.00001.
gnomAD v4.1: 6 of 1,613,200 alleles (0.00037%); highest among the groups gnomAD compares: Non-Finnish European, 0.00051%; no homozygotes.

Submissions (3):

Ambry Genetics
Classification: Uncertain significance for Inborn genetic diseases. Last evaluated: 2026-03-03. Review status: criteria provided, single submitter. Criteria: Ambry Variant Classification Scheme 2023. Collection method: clinical testing. Allele origin: germline.
Comment: The c.1195C>T (p.P399S) alteration is located in exon 9 (coding exon 9) of the SGCE gene. This alteration results from a C to T substitution at nucleotide position 1195, causing the proline (P) at amino acid position 399 to be replaced by a serine (S). Based on data from gnomAD, the T allele has an overall frequency of <0.001% (1/251256) total alleles studied. The highest observed frequency was 0.001% (1/113572) of European (non-Finnish) alleles. Based on insufficient or conflicting evidence, the clinical significance of this alteration remains unclear.

Labcorp Genetics (formerly Invitae), Labcorp
Classification: Uncertain significance for Myoclonic dystonia 11. Last evaluated: 2025-07-05. Review status: criteria provided, single submitter. Criteria: Invitae Variant Classification Sherloc (09022015). Collection method: clinical testing. Allele origin: germline.
Comment: This sequence change replaces proline, which is neutral and non-polar, with serine, which is neutral and polar, at codon 399 of the SGCE protein (p.Pro399Ser). This variant is present in population databases (rs747427574, gnomAD 0.0009%). This variant has not been reported in the literature in individuals affected with SGCE-related conditions. ClinVar contains an entry for this variant (Variation ID: 2045520). Invitae Evidence Modeling of protein sequence and biophysical properties (such as structural, functional, and spatial information, amino acid conservation, physicochemical variation, residue mobility, and thermodynamic stability) indicates that this missense variant is not expected to disrupt SGCE protein function with a negative predictive value of 80%. In summary, the available evidence is currently insufficient to determine the role of this variant in disease. Therefore, it has been classified as a Variant of Uncertain Significance.

Women's Health and Genetics/Laboratory Corporation of America, LabCorp
Classification: Uncertain significance. Last evaluated: 2025-02-21. Review status: criteria provided, single submitter. Criteria: LabCorp Variant Classification Summary - May 2015. Collection method: clinical testing. Allele origin: germline.
Comment: Variant summary: SGCE c.1195C>T (p.Pro399Ser) results in a non-conservative amino acid change in the encoded protein sequence. Four of five in-silico tools predict a damaging effect of the variant on protein function. The variant allele was found at a frequency of 4e-06 in 251256 control chromosomes. The available data on variant occurrences in the general population are insufficient to allow any conclusion about variant significance. To our knowledge, no occurrence of c.1195C>T in individuals affected with Myoclonic Dystonia 11 and no experimental evidence demonstrating its impact on protein function have been reported. ClinVar contains an entry for this variant (Variation ID: 2045520). Based on the evidence outlined above, the variant was classified as uncertain significance.